The following is an entry in ClinVar:

ClinVar aggregate classification (germline): Likely benign (1 of 4 stars; one submission).

Allele frequency attached by ClinVar (database versions not stated): gnomAD 0.00001; gnomAD exomes 0.00001; TOPMed 0.00001.
gnomAD v4.1: 16 of 1,209,764 alleles (0.0013%); highest among the groups gnomAD compares: Non-Finnish European, 0.0017%; no homozygotes.

Submission:

CeGaT Center for Human Genetics Tuebingen
Classification: Likely benign. Last evaluated: 2022-09-01. Review status: criteria provided, single submitter. Criteria: CeGaT Center For Human Genetics Tuebingen Variant Classification Criteria Version 2. Collection method: clinical testing. Allele origin: germline. Affected: yes. Observed: 1 variant allele.
Comment: FAM120C: BP4, BP7

NM_017848.6(FAM120C):c.2130G>A (p.Val710=)

Gene: FAM120C (family with sequence similarity 120 member C; minus strand). Cytogenetic location: Xp11.22.
Variant type: single nucleotide variant.
Coding change: c.2130G>A on transcript NM_017848.6 (MANE Select); coding-DNA position 2130, G replaced by A.
Protein change: p.Val710=; no amino-acid change (valine 710 retained).
Molecular consequence: synonymous variant.
Genome position (GRCh38, 1-based): chrX:54,116,727, C>T on the plus strand (G>A on the coding strand, the complement: FAM120C is on the minus strand). VCF-style: chrX-54116727-C-T. GRCh37 (hg19) VCF-style: chrX-54143160-C-T.
Other names: c.2130G>A, p.Val710= (NM_001300788.2).
Identifiers: ClinVar variation 2660653 (VCV002660653.24), dbSNP rs2066969855, ClinGen allele CA516695691.